The following is an entry in ClinVar:

ClinVar aggregate classification (germline): Uncertain significance (1 of 4 stars; one submission).

Submission:

GeneDx
Classification: Uncertain significance. Last evaluated: 2023-10-15. Review status: criteria provided, single submitter. Criteria: GeneDx Variant Classification Process June 2021. Collection method: clinical testing. Allele origin: germline. Affected: yes.
Comment: Not observed at significant frequency in large population cohorts (gnomAD); In silico analysis supports that this variant does not alter protein structure/function; Has not been previously published as pathogenic or benign to our knowledge

NM_002838.5(PTPRC):c.1651_1652delinsCT (p.Thr551Leu)

Gene: PTPRC (protein tyrosine phosphatase receptor type C; plus strand). Cytogenetic location: 1q32.1.
Variant type: Indel.
Coding change: c.1651_1652delinsCT on transcript NM_002838.5 (MANE Select); coding-DNA positions 1651 to 1652, AC replaced by CT.
Protein change: p.Thr551Leu; replaces threonine 551 with leucine.
Molecular consequence: missense variant.
Genome position (GRCh38, 1-based): chr1:198,718,294-198,718,295, AC replaced by CT. VCF-style: chr1-198718294-AC-CT. GRCh37 (hg19) VCF-style: chr1-198687423-AC-CT.
Other names: c.1168_1169delinsCT, p.Thr390Leu (NM_080921.4); short protein forms T390L, T551L.
Identifiers: ClinVar variation 3366128 (VCV003366128.1).